The following is an entry in ClinVar:

NM_001374736.1(DST):c.12390C>G (p.His4130Gln)

Genes: DST (dystonin; minus strand), LOC129996656 (ATAC-STARR-seq lymphoblastoid active region 24702; plus strand). Cytogenetic location: 6p12.1.
Variant type: single nucleotide variant.
Coding change: c.12390C>G on transcript NM_001374736.1 (MANE Select); coding-DNA position 12390, C replaced by G.
Protein change: p.His4130Gln; replaces histidine 4130 with glutamine.
Molecular consequence: missense variant.
Genome position (GRCh38, 1-based): chr6:56,593,999, G>C on the plus strand (C>G on the coding strand, the complement: DST is on the minus strand). VCF-style: chr6-56593999-G-C. GRCh37 (hg19) VCF-style: chr6-56458797-G-C.
Other names: c.6033C>G, p.His2011Gln (NM_001144769.5); c.5619C>G, p.His1873Gln (NM_001144770.2); c.12390C>G, p.His4130Gln (NM_001374722.1); c.11757C>G, p.His3919Gln (NM_001374729.1); c.5499C>G, p.His1833Gln (NM_001374730.1, NM_183380.4); c.12417C>G, p.His4139Gln (NM_001374734.1); c.4521C>G, p.His1507Gln (NM_015548.5); short protein forms H1833Q, H2011Q, H3919Q, H4130Q, H4139Q, H1873Q, H1507Q.
Identifiers: ClinVar variation 965422 (VCV000965422.8), dbSNP rs764958407, ClinGen allele CA3868455.

ClinVar aggregate classification (germline): Uncertain significance. Review status: criteria provided, multiple submitters, no conflicts (2 of 4 stars). 2 submissions from 2 submitters: Uncertain significance (2). Last evaluated 2020-10-12.

Conditions:
Inborn genetic diseases. Identifiers: MedGen C0950123, MeSH D030342.
Hereditary sensory and autonomic neuropathy type 6. Also called: Neuropathy, hereditary sensory and autonomic, type VI; HSAN VI. Identifiers: Orphanet 314381, MedGen C3539003, MONDO:0013839, OMIM 614653.
Epidermolysis bullosa simplex 3, localized or generalized intermediate, with BP230 deficiency (EBS3). Also called: Epidermolysis bullosa simplex, autosomal recessive 2; Epidermolysis bullosa simplex due to BP230 deficiency. Identifiers: Orphanet 412181, MedGen C3809470, MONDO:0014180, OMIM 615425.

Allele frequency attached by ClinVar (database versions not stated): gnomAD exomes 0.00004; ExAC 0.00005.
gnomAD v4.1: 40 of 1,613,840 alleles (0.0025%); highest among the groups gnomAD compares: Admixed American, 0.005%; no homozygotes.

Submissions (2):

Ambry Genetics
Classification: Uncertain significance for Inborn genetic diseases. Last evaluated: 2020-10-12. Review status: criteria provided, single submitter. Criteria: Ambry Variant Classification Scheme 2023. Collection method: clinical testing. Allele origin: germline.
Comment: The p.H2011Q variant (also known as c.6033C>G), located in coding exon 42 of the DST gene, results from a C to G substitution at nucleotide position 6033. The histidine at codon 2011 is replaced by glutamine, an amino acid with highly similar properties. This amino acid position is not well conserved in available vertebrate species, and glutamine is the reference amino acid in other vertebrate species. In addition, this alteration is predicted to be tolerated by in silico analysis. Since supporting evidence is limited at this time, the clinical significance of this alteration remains unclear.

Labcorp Genetics (formerly Invitae), Labcorp
Classification: Uncertain significance for Epidermolysis bullosa simplex 3, localized or generalized intermediate, with BP230 deficiency; Hereditary sensory and autonomic neuropathy type 6. Last evaluated: 2020-07-20. Review status: criteria provided, single submitter. Criteria: Invitae Variant Classification Sherloc (09022015). Collection method: clinical testing. Allele origin: germline.
Comment: This sequence change replaces histidine with glutamine at codon 1507 of the DST protein (p.His1507Gln). The histidine residue is moderately conserved and there is a small physicochemical difference between the two amino acids. The DST gene has multiple clinically relevant transcripts. This variant occurs in alternate transcript NM_015548.4, and corresponds to NM_001723.5:c.*21518C>G in the primary transcript. This variant is present in population databases (rs764958407, ExAC 0.009%). This variant has not been reported in the literature in individuals with DST-related conditions. Algorithms developed to predict the effect of missense changes on protein structure and function are either unavailable or do not agree on the potential impact of this missense change (SIFT: "Tolerated"; PolyPhen-2: "Not Available"; Align-GVGD: "Class C0"). In summary, the available evidence is currently insufficient to determine the role of this variant in disease. Therefore, it has been classified as a Variant of Uncertain Significance.